The following is an entry in ClinVar:

NM_138780.3(SYTL5):c.2105G>A (p.Arg702His)

Gene: SYTL5 (synaptotagmin like 5; plus strand). Cytogenetic location: Xp11.4.
Variant type: single nucleotide variant.
Coding change: c.2105G>A on transcript NM_138780.3 (MANE Select); coding-DNA position 2105, G replaced by A.
Protein change: p.Arg702His; replaces arginine 702 with histidine.
Molecular consequence: missense variant.
Genome position (GRCh38, 1-based): chrX:38,126,642, G>A. VCF-style: chrX-38126642-G-A. GRCh37 (hg19) VCF-style: chrX-37985895-G-A.
Other names: c.2171G>A, p.Arg724His (NM_001163334.1); c.2105G>A, p.Arg702His (NM_001163335.2); short protein forms R724H, R702H.
Identifiers: ClinVar variation 2362005 (VCV002362005.27), dbSNP rs143176819, ClinGen allele CA10384623.
Genomic context (GRCh38, chrX:38,126,642, plus strand): 5'-CTTCAGGTGTGAGCCATGGGAAGAACGTGGATTGGATGGACTCTCAGGGGGAAGAGCAGC[G>A]CCTTTGGCAGAAGATGGCCAACAACCCTGGAACTCCCTTTGAGGGTGTACTCATGCTTCG-3'
Protein context (NP_620135.1, residues 692-712): DWMDSQGEEQ[Arg702His]LWQKMANNPG

ClinVar aggregate classification (germline): Conflicting classifications of pathogenicity. Review status: criteria provided, conflicting classifications (1 of 4 stars). 2 submissions from 2 submitters: Uncertain significance (1); Likely benign (1). Last evaluated 2024-11-24.

Allele frequency attached by ClinVar (database versions not stated): ESP Exome Variant Server 0.00019; ExAC 0.00034; TOPMed 0.00039; gnomAD 0.00045; gnomAD exomes 0.00054.
gnomAD v4.1: 635 of 1,208,730 alleles (0.053%); highest among the groups gnomAD compares: Middle Eastern, 0.092%; no homozygotes.

Submissions (2):

Ambry Genetics
Classification: Uncertain significance. Last evaluated: 2024-11-24. Review status: criteria provided, single submitter. Criteria: Ambry Variant Classification Scheme 2023. Collection method: clinical testing. Allele origin: germline.

CeGaT Center for Human Genetics Tuebingen
Classification: Likely benign. Last evaluated: 2022-07-01. Review status: criteria provided, single submitter. Criteria: CeGaT Center For Human Genetics Tuebingen Variant Classification Criteria Version 2. Collection method: clinical testing. Allele origin: germline. Affected: yes. Observed: 1 variant allele.
Comment: SYTL5: BP4, BS2